The following is an entry in ClinVar:

NM_005612.5(REST):c.3149_3150delinsTG (p.Ala1050Val)

Gene: REST (RE1 silencing transcription factor; plus strand). Cytogenetic location: 4q12.
Variant type: Indel.
Coding change: c.3149_3150delinsTG on transcript NM_005612.5 (MANE Select); coding-DNA positions 3149 to 3150, CC replaced by TG.
Protein change: p.Ala1050Val; replaces alanine 1050 with valine.
Molecular consequence: missense variant.
Genome position (GRCh38, 1-based): chr4:56,932,007-56,932,008, CC replaced by TG. VCF-style: chr4-56932007-CC-TG. GRCh37 (hg19) VCF-style: chr4-57798173-CC-TG.
Other names: c.3149_3150delCCinsTG, p.Ala1050Val (NM_001193508.2, NM_001363453.3); short protein forms A1050V.
Identifiers: ClinVar variation 2187063 (VCV002187063.4), dbSNP rs2475855588, ClinGen allele CA2580071588.

ClinVar aggregate classification (germline): Uncertain significance (1 of 4 stars; one submission).

Submission:

Labcorp Genetics (formerly Invitae), Labcorp
Classification: Uncertain significance. Last evaluated: 2021-12-24. Review status: criteria provided, single submitter. Criteria: Invitae Variant Classification Sherloc (09022015). Collection method: clinical testing. Allele origin: germline.
Comment: In summary, the available evidence is currently insufficient to determine the role of this variant in disease. Therefore, it has been classified as a Variant of Uncertain Significance. Algorithms developed to predict the effect of missense changes on protein structure and function are either unavailable or do not agree on the potential impact of this missense change (SIFT: "Not Available"; PolyPhen-2: "Benign"; Align-GVGD: "Not Available"). This variant has not been reported in the literature in individuals affected with REST-related conditions. Information on the frequency of this variant in the gnomAD database is not available, as this variant may be reported differently in the database. This sequence change replaces alanine, which is neutral and non-polar, with valine, which is neutral and non-polar, at codon 1050 of the REST protein (p.Ala1050Val).